The following is an entry in ClinVar:

ClinVar aggregate classification (germline): Likely benign. Review status: criteria provided, single submitter (1 of 4 stars). 2 submissions from 2 submitters: Likely benign (1). 1 of the submissions does not count toward it. Last evaluated 2022-03-20.

Conditions:
FANCB-related disorder. Also called: FANCB-related condition.
Fanconi anemia (FA). Also called: Fanconi's anemia. Identifiers: Orphanet 84, MedGen C0015625, MeSH D005199, MONDO:0019391.

Allele frequency attached by ClinVar (database versions not stated): ExAC 0.00001; gnomAD exomes 0.00001 and 0.00002; TOPMed 0.00001.
gnomAD v4.1: 19 of 1,178,855 alleles (0.0016%); highest among the groups gnomAD compares: Non-Finnish European, 0.002%; no homozygotes.

Submissions (2):

Labcorp Genetics (formerly Invitae), Labcorp
Classification: Likely benign for Fanconi anemia. Last evaluated: 2022-03-20. Review status: criteria provided, single submitter. Criteria: Invitae Variant Classification Sherloc (09022015). Collection method: clinical testing. Allele origin: germline.

PreventionGenetics, part of Exact Sciences
Classification: Likely benign for FANCB-related condition. Last evaluated: 2022-06-25. Review status: no assertion criteria provided. Collection method: clinical testing. Allele origin: germline. Not counted in ClinVar's aggregate classification.
Comment: This variant is classified as likely benign based on ACMG/AMP sequence variant interpretation guidelines (Richards et al. 2015 PMID: 25741868, with internal and published modifications).

NM_001018113.3(FANCB):c.939A>G (p.Lys313=)

Gene: FANCB (FA complementation group B; minus strand). Cytogenetic location: Xp22.2.
Variant type: single nucleotide variant.
Coding change: c.939A>G on transcript NM_001018113.3 (MANE Select); coding-DNA position 939, A replaced by G.
Protein change: p.Lys313=; no amino-acid change (lysine 313 retained).
Molecular consequence: synonymous variant.
Genome position (GRCh38, 1-based): chrX:14,864,572, T>C on the plus strand (A>G on the coding strand, the complement: FANCB is on the minus strand). VCF-style: chrX-14864572-T-C. GRCh37 (hg19) VCF-style: chrX-14882694-T-C.
Other names: c.939A>G (NM_001018113.2); c.939A>G, p.Lys313= (NM_001324162.2, NM_152633.4).
Identifiers: ClinVar variation 1528262 (VCV001528262.10), dbSNP rs767512088, ClinGen allele CA10353153.